The following is an entry in ClinVar:

ClinVar aggregate classification (germline): Likely benign (1 of 4 stars; one submission).

Submission:

Mayo Clinic Laboratories, Mayo Clinic
Classification: Likely benign. Last evaluated: 2025-04-22. Review status: criteria provided, single submitter. Criteria: ACMG Guidelines, 2015. Collection method: clinical testing. Allele origin: germline. Observed: 1 variant allele.
Comment: BP4, BP7, PM2_supporting

NM_001360016.2(G6PD):c.121-4A>G

Gene: G6PD (glucose-6-phosphate dehydrogenase; minus strand). Cytogenetic location: Xq28.
Variant type: single nucleotide variant.
Coding change: c.121-4A>G on transcript NM_001360016.2 (MANE Select); 4 bases into the intron before coding-DNA position 121, A replaced by G.
Molecular consequence: intron variant.
Genome position (GRCh38, 1-based): chrX:154,536,182, T>C on the plus strand (A>G on the coding strand, the complement: G6PD is on the minus strand). VCF-style: chrX-154536182-T-C. GRCh37 (hg19) VCF-style: chrX-153764397-T-C.
Other names: p.?; c.211-4A>G (NM_000402.4); c.121-4A>G (NM_001042351.3).
Identifiers: ClinVar variation 4684547 (VCV004684547.1).